The following is an entry in ClinVar:

NM_033026.6(PCLO):c.3112G>T (p.Ala1038Ser)

Gene: PCLO (piccolo presynaptic cytomatrix protein; minus strand). Cytogenetic location: 7q21.11.
Variant type: single nucleotide variant.
Coding change: c.3112G>T on transcript NM_033026.6 (MANE Select); coding-DNA position 3112, G replaced by T.
Protein change: p.Ala1038Ser; replaces alanine 1038 with serine.
Molecular consequence: missense variant.
Genome position (GRCh38, 1-based): chr7:83,134,438, C>A on the plus strand (G>T on the coding strand, the complement: PCLO is on the minus strand). VCF-style: chr7-83134438-C-A. GRCh37 (hg19) VCF-style: chr7-82763754-C-A.
Other names: c.3112G>T, p.Ala1038Ser (NM_014510.3); short protein forms A1038S.
Identifiers: ClinVar variation 3685263 (VCV003685263.2).

ClinVar aggregate classification (germline): Uncertain significance (1 of 4 stars; one submission).

gnomAD v4.1: 5 of 1,613,826 alleles (0.00031%); highest among the groups gnomAD compares: Middle Eastern, 0.016%; no homozygotes.

Submission:

Labcorp Genetics (formerly Invitae), Labcorp
Classification: Uncertain significance. Last evaluated: 2024-12-30. Review status: criteria provided, single submitter. Criteria: Invitae Variant Classification Sherloc (09022015). Collection method: clinical testing. Allele origin: germline.
Comment: This sequence change replaces alanine, which is neutral and non-polar, with serine, which is neutral and polar, at codon 1038 of the PCLO protein (p.Ala1038Ser). This variant is present in population databases (rs752290314, gnomAD 0.006%). This variant has not been reported in the literature in individuals affected with PCLO-related conditions. An algorithm developed to predict the effect of missense changes on protein structure and function outputs the following: PolyPhen-2: "Not Available". The serine amino acid residue is found in multiple mammalian species, which suggests that this missense change does not adversely affect protein function. In summary, the available evidence is currently insufficient to determine the role of this variant in disease. Therefore, it has been classified as a Variant of Uncertain Significance.